The following is an entry in ClinVar:

ClinVar aggregate classification (germline): Likely benign (1 of 4 stars; one submission).

Conditions:
Neurodevelopmental disorder with or without early-onset generalized epilepsy. Identifiers: MedGen C5436914, MONDO:0030930, OMIM 619157.

Submission:

Centre for Medical Genetics,  Mumbai
Classification: Likely benign for Neurodevelopmental disorder with or without early-onset generalized epilepsy. Last evaluated: 2026-02-04. Review status: criteria provided, single submitter. Criteria: ACMG Guidelines, 2015. Collection method: provider interpretation. Allele origin: germline. Inheritance: Autosomal dominant inheritance. Affected: no. Observed: 1 heterozygote.
Comment: The variant satisfies PM2 criteria; Extremely low frequency in gnomAD population databases. The variant satisfies PP2 criteria; Missense variant in a gene with low rate of benign missense mutations and for which missense mutation is a common mechanism of a disease However, the variant satisfies BS2 criteria.

Literature cited by the submitters: PubMed 30269351.

NM_001385012.1(NBEA):c.4618G>T (p.Asp1540Tyr)

Gene: NBEA (neurobeachin; plus strand). Cytogenetic location: 13q13.3.
Variant type: single nucleotide variant.
Coding change: c.4618G>T on transcript NM_001385012.1 (MANE Select); coding-DNA position 4618, G replaced by T.
Protein change: p.Asp1540Tyr; replaces aspartic acid 1540 with tyrosine.
Molecular consequence: missense variant.
Genome position (GRCh38, 1-based): chr13:35,177,059, G>T. VCF-style: chr13-35177059-G-T. GRCh37 (hg19) VCF-style: chr13-35751196-G-T.
Other names: c.4609G>T, p.Asp1537Tyr (NM_001379245.1); c.4618G>T, p.Asp1540Tyr (NM_015678.5); short protein forms D1537Y, D1540Y.
Identifiers: ClinVar variation 4690284 (VCV004690284.1).